The following is an entry in ClinVar:

NM_003922.4(HERC1):c.11494T>G (p.Cys3832Gly)

Gene: HERC1 (HECT and RLD domain containing E3 ubiquitin protein ligase family member 1; minus strand). Cytogenetic location: 15q22.31.
Variant type: single nucleotide variant.
Coding change: c.11494T>G on transcript NM_003922.4 (MANE Select); coding-DNA position 11494, T replaced by G.
Protein change: p.Cys3832Gly; replaces cysteine 3832 with glycine.
Molecular consequence: missense variant.
Genome position (GRCh38, 1-based): chr15:63,641,583, A>C on the plus strand (T>G on the coding strand, the complement: HERC1 is on the minus strand). VCF-style: chr15-63641583-A-C. GRCh37 (hg19) VCF-style: chr15-63933782-A-C.
Other names: short protein forms C3832G.
Identifiers: ClinVar variation 1218098 (VCV001218098.3), dbSNP rs2152841992, ClinGen allele CA392746688.

ClinVar aggregate classification (germline): Uncertain significance (1 of 4 stars; one submission).

gnomAD v4.1: 3 of 1,600,576 alleles (0.00019%); highest among the groups gnomAD compares: Non-Finnish European, 0.00026%; no homozygotes.

Submission:

GeneDx
Classification: Uncertain significance. Last evaluated: 2018-10-17. Review status: criteria provided, single submitter. Criteria: GeneDx Variant Classification Process June 2021. Collection method: clinical testing. Allele origin: germline. Affected: yes.
Comment: Not observed in large population cohorts (Lek et al., 2016); In silico analysis, which includes protein predictors and evolutionary conservation, supports a deleterious effect; In addition, in silico splice predictors suggest this variant may lead to abnormal gene splicing; In the absence of RNA/functional studies, the actual effect of this sequence change is unknown; Has not been previously published as pathogenic or benign to our knowledge